The following is an entry in ClinVar:

ClinVar aggregate classification (germline): Benign. Review status: criteria provided, multiple submitters, no conflicts (2 of 4 stars). 3 submissions from 3 submitters: Benign (2). 1 of the submissions does not count toward it. Last evaluated 2026-01-14.

Conditions:
ROR1-related disorder. Also called: ROR1-related condition.

Allele frequency attached by ClinVar (database versions not stated): gnomAD exomes 0.00129 and 0.00325; ExAC 0.00410; gnomAD 0.01266 and 0.01346; TOPMed 0.01417; ESP Exome Variant Server 0.01476; 1000 Genomes Project 0.01657; 1000 Genomes Project 30x 0.01827.
gnomAD v4.1: 3,846 of 1,614,154 alleles (0.24%); highest among the groups gnomAD compares: African/African-American, 4.5%; 100 homozygotes.

Submissions (3):

Labcorp Genetics (formerly Invitae), Labcorp
Classification: Benign. Last evaluated: 2026-01-14. Review status: criteria provided, single submitter. Criteria: Invitae Variant Classification Sherloc (09022015). Collection method: clinical testing. Allele origin: germline.

Breakthrough Genomics
Classification: Benign. Review status: criteria provided, single submitter. Criteria: ACMG Guidelines, 2015. Collection method: not provided. Allele origin: germline. Inheritance: Autosomal recessive inheritance. Affected: yes.

PreventionGenetics, part of Exact Sciences
Classification: Benign for ROR1-related condition. Last evaluated: 2019-07-15. Review status: no assertion criteria provided. Collection method: clinical testing. Allele origin: germline. Not counted in ClinVar's aggregate classification.
Comment: This variant is classified as benign based on ACMG/AMP sequence variant interpretation guidelines (Richards et al. 2015 PMID: 25741868, with internal and published modifications).

NM_005012.4(ROR1):c.1554G>A (p.Thr518=)

Gene: ROR1 (receptor tyrosine kinase like orphan receptor 1; plus strand). Cytogenetic location: 1p31.3.
Variant type: single nucleotide variant.
Coding change: c.1554G>A on transcript NM_005012.4 (MANE Select); coding-DNA position 1554, G replaced by A.
Protein change: p.Thr518=; no amino-acid change (threonine 518 retained).
Molecular consequence: synonymous variant.
Genome position (GRCh38, 1-based): chr1:64,177,595, G>A. VCF-style: chr1-64177595-G-A. GRCh37 (hg19) VCF-style: chr1-64643278-G-A.
Identifiers: ClinVar variation 709548 (VCV000709548.13), dbSNP rs80063252, ClinGen allele CA890306.